The following is an entry in ClinVar:

ClinVar aggregate classification (germline): Benign/Likely benign. Review status: criteria provided, multiple submitters, no conflicts (2 of 4 stars). 16 submissions from 15 submitters: Benign (5); Likely benign (9). 2 of the submissions do not count toward it. Last evaluated 2026-06-30.

Conditions:
MEN1-related disorder. Also called: MEN1-related condition.
Hyperparathyroidism. Identifiers: MedGen C0020502, MONDO:0001741, HP:0000843.
Hereditary cancer-predisposing syndrome. Also called: Neoplastic Syndromes, Hereditary; Tumor predisposition; Hereditary Cancer Syndrome; Hereditary neoplastic syndrome. Identifiers: Orphanet 140162, MedGen C0027672, MeSH D009386, MONDO:0015356.
Multiple endocrine neoplasia, type 1 (MEN1). Also called: MEN I; WERMER SYNDROME; Endocrine adenomatosis multiple; MEN 1; MEA I. Identifiers: Orphanet 652, MedGen C0025267, MeSH D018761, MONDO:0007540, OMIM 131100.

Allele frequency attached by ClinVar (database versions not stated): gnomAD 0.00015 and 0.00021; TOPMed 0.00029; 1000 Genomes Project 30x 0.00031; 1000 Genomes Project 0.00040; gnomAD exomes 0.00053; ExAC 0.00054.

Submissions (16):

PreventionGenetics, part of Exact Sciences
Classification: Benign for MEN1-related condition. Last evaluated: 2026-06-30. Review status: criteria provided, single submitter. Criteria: ACMG Guidelines, 2015. Collection method: clinical testing. Allele origin: germline.
Comment: This variant is classified as benign based on ACMG/AMP sequence variant interpretation guidelines (Richards et al. 2015 PMID: 25741868, with internal and published modifications).

Labcorp Genetics (formerly Invitae), Labcorp
Classification: Benign for Multiple endocrine neoplasia, type 1. Last evaluated: 2026-02-02. Review status: criteria provided, single submitter. Criteria: Invitae Variant Classification Sherloc (09022015). Collection method: clinical testing. Allele origin: germline.

ARUP Laboratories, Molecular Genetics and Genomics, ARUP Laboratories
Classification: Likely benign. Last evaluated: 2025-04-24. Review status: criteria provided, single submitter. Criteria: ARUP Molecular Germline Variant Investigation Process 2024. Collection method: clinical testing. Allele origin: germline.

Blueprint Genetics
Classification: Likely benign. Last evaluated: 2024-09-02. Review status: criteria provided, single submitter. Criteria: ACMG Guidelines, 2015. Collection method: clinical testing. Allele origin: germline.

Myriad Genetics, Inc.
Classification: Likely benign for Multiple endocrine neoplasia, type 1. Last evaluated: 2024-08-06. Review status: criteria provided, single submitter. Criteria: Myriad Autosomal Dominant, Autosomal Recessive and X-Linked Classification Criteria (2023). Collection method: clinical testing. Allele origin: unknown.
Comment: This variant is considered likely benign. This variant has been observed at a population frequency that is significantly greater than expected given the associated disease prevalence and penetrance.

Department of Pathology and Laboratory Medicine, Sinai Health System
Classification: Likely benign for Multiple endocrine neoplasia, type 1. Last evaluated: 2023-03-07. Review status: criteria provided, single submitter. Criteria: ACMG Guidelines, 2015. Collection method: clinical testing. Allele origin: germline. Affected: yes.

Color Diagnostics, LLC DBA Color Health
Classification: Benign for Multiple endocrine neoplasia, type 1. Last evaluated: 2023-02-14. Review status: criteria provided, single submitter. Criteria: ACMG Guidelines, 2015. Collection method: clinical testing. Allele origin: germline.

Fulgent Genetics
Classification: Likely benign for Multiple endocrine neoplasia, type 1. Last evaluated: 2022-04-29. Review status: criteria provided, single submitter. Criteria: ACMG Guidelines, 2015. Collection method: clinical testing. Allele origin: unknown.

Genetic Services Laboratory, University of Chicago
Classification: Likely benign. Last evaluated: 2021-02-24. Review status: criteria provided, single submitter. Criteria: ACMG Guidelines, 2015. Collection method: clinical testing. Allele origin: germline. Affected: no.

Sema4
Classification: Benign for Hereditary cancer-predisposing syndrome. Last evaluated: 2020-03-26. Review status: criteria provided, single submitter. Criteria: Sema4 Curation Guidelines. Collection method: curation. Allele origin: germline.

Ambry Genetics
Classification: Likely benign for Hereditary cancer-predisposing syndrome. Last evaluated: 2019-04-11. Review status: criteria provided, single submitter. Criteria: Ambry Variant Classification Scheme 2023. Collection method: clinical testing. Allele origin: germline.

Illumina Laboratory Services, Illumina
Classification: Benign for Multiple endocrine neoplasia, type 1. Last evaluated: 2017-04-27. Review status: criteria provided, single submitter. Criteria: ICSL Variant Classification Criteria 13 December 2019. Collection method: clinical testing. Allele origin: germline.
Comment: This variant was observed as part of a predisposition screen in an ostensibly healthy population. A literature search was performed for the gene, cDNA change, and amino acid change (where applicable). Publications were found based on this search. The evidence from the literature, in combination with allele frequency data from public databases where available, was sufficient to rule this variant out of causing disease. Therefore, this variant is classified as benign.

Illumina Laboratory Services, Illumina
Classification: Likely benign for Hyperparathyroidism. Last evaluated: 2017-04-27. Review status: criteria provided, single submitter. Criteria: ICSL Variant Classification Criteria 13 December 2019. Collection method: clinical testing. Allele origin: germline.
Comment: This variant was observed as part of a predisposition screen in an ostensibly healthy population. A literature search was performed for the gene, cDNA change, and amino acid change (where applicable). No publications were found based on this search. Allele frequency data from public databases allowed determination this variant is unlikely to cause disease. Therefore, this variant is classified as likely benign.

GeneDx
Classification: Likely benign. Last evaluated: 2017-02-24. Review status: criteria provided, single submitter. Criteria: GeneDx Variant Classification (06012015). Collection method: clinical testing. Allele origin: germline. Affected: yes.
Comment: This variant is considered likely benign or benign based on one or more of the following criteria: it is a conservative change, it occurs at a poorly conserved position in the protein, it is predicted to be benign by multiple in silico algorithms, and/or has population frequency not consistent with disease.

Genome Diagnostics Laboratory, University Medical Center Utrecht
Classification: Likely benign. Review status: no assertion criteria provided. Collection method: clinical testing. Allele origin: germline. Affected: yes. Study: VKGL Data-share Consensus. Not counted in ClinVar's aggregate classification.

Joint Genome Diagnostic Labs from Nijmegen and Maastricht, Radboudumc and MUMC+
Classification: Likely benign. Review status: no assertion criteria provided. Collection method: clinical testing. Allele origin: germline. Affected: yes. Study: VKGL Data-share Consensus. Not counted in ClinVar's aggregate classification.

Literature cited by the submitters: PubMed 25309785 (cited by Ambry Genetics and Illumina Laboratory Services, Illumina).

NM_001370259.2(MEN1):c.1508G>A (p.Gly503Asp)

Gene: MEN1 (menin 1; minus strand). Cytogenetic location: 11q13.1.
Variant type: single nucleotide variant.
Coding change: c.1508G>A on transcript NM_001370259.2 (MANE Select); coding-DNA position 1508, G replaced by A.
Protein change: p.Gly503Asp; replaces glycine 503 with aspartic acid.
Molecular consequence: missense variant.
Genome position (GRCh38, 1-based): chr11:64,804,659, C>T on the plus strand (G>A on the coding strand, the complement: MEN1 is on the minus strand). VCF-style: chr11-64804659-C-T. GRCh37 (hg19) VCF-style: chr11-64572131-C-T.
Other names: c.1523G>A (NM_000244.3); c.1508G>A, p.Gly503Asp (NM_001370260.2, NM_001370261.2, NM_130799.3); c.1403G>A, p.Gly468Asp (NM_001370262.2, NM_001370263.2); c.1523G>A, p.Gly508Asp (NM_130800.3, NM_130801.3, NM_130802.3 and 3 more transcripts); c.1634G>A, p.Gly545Asp (NM_001370251.2); short protein forms G503D, G508D, G545D, G468D.
Identifiers: ClinVar variation 136166 (VCV000136166.35), dbSNP rs375804228, ClinGen allele CA009181.